The following is an entry in ClinVar:

NM_004813.4(PEX16):c.820C>A (p.Leu274Met)

Gene: PEX16 (peroxisomal biogenesis factor 16; minus strand). Cytogenetic location: 11p11.2.
Variant type: single nucleotide variant.
Coding change: c.820C>A on transcript NM_004813.4 (MANE Select); coding-DNA position 820, C replaced by A.
Protein change: p.Leu274Met; replaces leucine 274 with methionine.
Molecular consequence: missense variant.
Genome position (GRCh38, 1-based): chr11:45,913,886, G>T on the plus strand (C>A on the coding strand, the complement: PEX16 is on the minus strand). VCF-style: chr11-45913886-G-T. GRCh37 (hg19) VCF-style: chr11-45935437-G-T.
Other names: c.820C>A, p.Leu274Met (NM_057174.3); short protein forms L274M.
Identifiers: ClinVar variation 596186 (VCV000596186.11), dbSNP rs751273439, ClinGen allele CA5959810.
Genomic context (GRCh38, chr11:45,913,886, plus strand): 5'-AGCGGTCATAGAAAGGAGAGCGCAGCAGGTAGTAGAGCAGCAGGATGGTCCGGCGCCGCA[G>T]CTCCCGCCGCTCCCTCCGGGTCAGGCCCTTTCTGTCACTCAGGAGGCTCAGGCTGGGAGG-3'
Protein context (NP_004804.2, residues 264-284): KGLTRRERRE[Leu274Met]RRRTILLLYY

ClinVar aggregate classification (germline): Uncertain significance. Review status: criteria provided, multiple submitters, no conflicts (2 of 4 stars). 2 submissions from 2 submitters: Uncertain significance (2). Last evaluated 2022-05-22.

Conditions:
Peroxisome biogenesis disorder. Identifiers: Orphanet 79189, MedGen C1832200, MONDO:0019234. Disease mechanism: loss of function.

Allele frequency attached by ClinVar (database versions not stated): gnomAD 0.00001; TOPMed 0.00001; ExAC 0.00002; gnomAD exomes 0.00002 and 0.00004.
gnomAD v4.1: 55 of 1,610,242 alleles (0.0034%); highest among the groups gnomAD compares: Non-Finnish European, 0.0046%; no homozygotes.

Submissions (2):

Labcorp Genetics (formerly Invitae), Labcorp
Classification: Uncertain significance for Peroxisome biogenesis disorder. Last evaluated: 2022-05-22. Review status: criteria provided, single submitter. Criteria: Invitae Variant Classification Sherloc (09022015). Collection method: clinical testing. Allele origin: germline.
Comment: This sequence change replaces leucine, which is neutral and non-polar, with methionine, which is neutral and non-polar, at codon 274 of the PEX16 protein (p.Leu274Met). This variant is present in population databases (rs751273439, gnomAD 0.003%). This variant has not been reported in the literature in individuals affected with PEX16-related conditions. ClinVar contains an entry for this variant (Variation ID: 596186). Algorithms developed to predict the effect of missense changes on protein structure and function are either unavailable or do not agree on the potential impact of this missense change (SIFT: "Tolerated"; PolyPhen-2: "Possibly Damaging"; Align-GVGD: "Class C0"). In summary, the available evidence is currently insufficient to determine the role of this variant in disease. Therefore, it has been classified as a Variant of Uncertain Significance.

Eurofins Ntd Llc (ga)
Classification: Uncertain significance. Last evaluated: 2018-02-15. Review status: criteria provided, single submitter. Criteria: EGL ClinVar v180209 classification definitions. Collection method: clinical testing. Allele origin: germline. Observed: 2 variant alleles, 2 heterozygotes.